The following is an entry in ClinVar:

ClinVar aggregate classification (germline): Likely pathogenic. Review status: criteria provided, multiple submitters, no conflicts (2 of 4 stars). 2 submissions from 2 submitters: Likely pathogenic (2). Last evaluated 2024-10-17.

Conditions:
Progressive sclerosing poliodystrophy (MTDPS4A). Also called: ALPERS PROGRESSIVE INFANTILE POLIODYSTROPHY; NEURONAL DEGENERATION OF CHILDHOOD WITH LIVER DISEASE, PROGRESSIVE; Alpers Syndrome; ALPERS DIFFUSE DEGENERATION OF CEREBRAL GRAY MATTER WITH HEPATIC CIRRHOSIS; Alpers-Huttenlocher Syndrome; Mitochondrial DNA Depletion Syndrome 4A. Identifiers: Orphanet 726, MedGen C0205710, MONDO:0008758, OMIM 203700.

Submissions (2):

3billion
Classification: Likely pathogenic for Progressive sclerosing poliodystrophy. Last evaluated: 2024-10-17. Review status: criteria provided, single submitter. Criteria: ACMG Guidelines, 2015. Collection method: clinical testing. Allele origin: germline. Affected: yes.
Comment: The variant is not observed in the gnomAD v4.1.0 dataset. Predicted Consequence/Location: Missense variant In silico tool predictions suggest damaging effect of the variant on gene or gene product [REVEL: 0.92 (>=0.6, sensitivity 0.68 and specificity 0.92); 3Cnet: 0.98 (>=0.6, sensitivity 0.72 and precision 0.9)]. The same nucleotide change resulting in the same amino acid change has been previously reported as pathogenic/likely pathogenic with strong evidence (ClinVar ID: VCV002813186). A different missense change at the same codon (p.Pro648Arg) has been reported as pathogenic/likely pathogenic with strong evidence (ClinVar ID: VCV000206606 /PMID: 16621917). Therefore, this variant is classified as Likely pathogenic according to the recommendation of ACMG/AMP guideline.

Labcorp Genetics (formerly Invitae), Labcorp
Classification: Likely pathogenic for Progressive sclerosing poliodystrophy. Last evaluated: 2023-02-24. Review status: criteria provided, single submitter. Criteria: Invitae Variant Classification Sherloc (09022015). Collection method: clinical testing. Allele origin: germline.
Comment: In summary, the currently available evidence indicates that the variant is pathogenic, but additional data are needed to prove that conclusively. Therefore, this variant has been classified as Likely Pathogenic. This variant disrupts the p.Pro648 amino acid residue in POLG. Other variant(s) that disrupt this residue have been determined to be pathogenic (PMID: 16621917, 21550804). This suggests that this residue is clinically significant, and that variants that disrupt this residue are likely to be disease-causing. This sequence change replaces proline, which is neutral and non-polar, with serine, which is neutral and polar, at codon 648 of the POLG protein (p.Pro648Ser). This variant is not present in population databases (gnomAD no frequency). This variant has not been reported in the literature in individuals affected with POLG-related conditions. Advanced modeling of protein sequence and biophysical properties (such as structural, functional, and spatial information, amino acid conservation, physicochemical variation, residue mobility, and thermodynamic stability) performed at Invitae indicates that this missense variant is expected to disrupt POLG protein function.

Literature cited by the submitters: PubMed 16621917 (cited by 3billion and Labcorp Genetics (formerly Invitae), Labcorp); PubMed 21550804 (cited by Labcorp Genetics (formerly Invitae), Labcorp).

NM_002693.3(POLG):c.1942C>T (p.Pro648Ser)

Gene: POLG (DNA polymerase gamma, catalytic subunit; minus strand). Cytogenetic location: 15q26.1.
Variant type: single nucleotide variant.
Coding change: c.1942C>T on transcript NM_002693.3 (MANE Select); coding-DNA position 1942, C replaced by T.
Protein change: p.Pro648Ser; replaces proline 648 with serine.
Molecular consequence: missense variant.
Genome position (GRCh38, 1-based): chr15:89,325,457, G>A on the plus strand (C>T on the coding strand, the complement: POLG is on the minus strand). VCF-style: chr15-89325457-G-A. GRCh37 (hg19) VCF-style: chr15-89868688-G-A.
Other names: c.1942C>T, p.Pro648Ser (NM_001126131.2); short protein forms P648S.
Identifiers: ClinVar variation 2813186 (VCV002813186.4), dbSNP rs2055502246, ClinGen allele CA393758919.
Genomic context (GRCh38, chr15:89,325,457, plus strand): 5'-GGGGAAGGGGTCCCTAGGCTCCAGCCCCTTCCTCCCCTGGGCCTAAGCCTTACCTGTAGG[G>A]GCAGACCACCCCAGCTGACTCCAGGGTGGTACCTGTCGGCAGCTTGGCCAGGTTGTCCCG-3'
Protein context (NP_002684.1, residues 638-658): TTLESAGVVC[Pro648Ser]YRAIESLYRK